The following is an entry in ClinVar:

NM_198053.3(CD247):c.300+121A>G

Gene: CD247 (CD247 molecule; minus strand). Cytogenetic location: 1q24.2.
Variant type: single nucleotide variant.
Coding change: c.300+121A>G on transcript NM_198053.3 (MANE Select); 121 bases into the intron after coding-DNA position 300, A replaced by G.
Molecular consequence: intron variant.
Genome position (GRCh38, 1-based): chr1:167,438,449, T>C on the plus strand (A>G on the coding strand, the complement: CD247 is on the minus strand). VCF-style: chr1-167438449-T-C. GRCh37 (hg19) VCF-style: chr1-167407686-T-C.
Other names: c.300+121A>G (NM_000734.4); c.393+121A>G (NM_001378516.1, NM_001378515.1).
Identifiers: ClinVar variation 1192703 (VCV001192703.7), dbSNP rs2462553, ClinGen allele CA10783193.

ClinVar aggregate classification (germline): Benign. Review status: criteria provided, multiple submitters, no conflicts (2 of 4 stars). 3 submissions from 3 submitters: Benign (3). Last evaluated 2023-11-12.

Conditions:
Immunodeficiency 25. Also called: Immunodeficiency due to defect in cd3-zeta, somatic. Identifiers: MedGen C1857798, MONDO:0012426, OMIM 610163.

Allele frequency attached by ClinVar (database versions not stated): 1000 Genomes Project 0.84465; 1000 Genomes Project 30x 0.84510; TOPMed 0.86211; gnomAD 0.86442 and 0.86517.
gnomAD v4.1: 720,364 of 816,440 alleles (88%); highest among the groups gnomAD compares: South Asian, 91%; 318,419 homozygotes.

Submissions (3):

Unidad de Genómica Garrahan, Hospital de Pediatría Garrahan
Classification: Benign. Last evaluated: 2023-11-12. Review status: criteria provided, single submitter. Criteria: ACMG Guidelines, 2015. Collection method: clinical testing. Allele origin: germline. Affected: no. Observed: 60 variant alleles.
Comment: This variant is classified as Benign based on local population frequency. This variant was detected in 63% of patients studied by a panel of primary immunodeficiencies. Number of patients: 60. Only high quality variants are reported.

Genome-Nilou Lab
Classification: Benign for Immunodeficiency 25. Last evaluated: 2021-07-14. Review status: criteria provided, single submitter. Criteria: ACMG Guidelines, 2015. Collection method: clinical testing. Allele origin: germline. Affected: no.

GeneDx
Classification: Benign. Last evaluated: 2018-07-02. Review status: criteria provided, single submitter. Criteria: GeneDx Variant Classification Process June 2021. Collection method: clinical testing. Allele origin: germline. Affected: yes.